The following is an entry in ClinVar:

NM_000553.6(WRN):c.4210_4215del (p.Lys1404_Arg1405del)

Genes: WRN (WRN RecQ like helicase; plus strand), LOC126860342 (MED14-independent group 3 enhancer GRCh37_chr8:31029565-31030764; plus strand). Cytogenetic location: 8p12.
Variant type: Deletion.
Coding change: c.4210_4215del on transcript NM_000553.6 (MANE Select); coding-DNA positions 4210 to 4215, 6 bases deleted (AAGAGA; older notation c.4210_4215delAAGAGA).
Protein change: p.Lys1404_Arg1405del.
Molecular consequence: inframe deletion.
Genome position (GRCh38, 1-based): chr8:31,173,013-31,173,018, AAGAGA deleted; deleting any 6 consecutive bases within chr8:31,173,008-31,173,018 gives the same sequence; the c. name uses the placement nearest the transcript's 3' end. VCF-style (leftmost placement, unchanged base first): chr8-31173007-GAGAGAA-G. GRCh37 (hg19) VCF-style: chr8-31030523-GAGAGAA-G.
Identifiers: ClinVar variation 1062867 (VCV001062867.5), dbSNP rs1307086896, ClinGen allele CA850754561.
Genomic context (GRCh38, chr8:31,173,007, plus strand): 5'-TCTCAGTAGTACAAAGATTTGATTTCTTTTTCTTTCTATTTCCTACAGACTTCATCTGCA[GAGAGAA>G]AGAGACGATTACCTGTGTGGTTTGCCAAAGGAAGTGATACCAGCAAGAAATTAATGGACA-3'

ClinVar aggregate classification (germline): Uncertain significance (1 of 4 stars; one submission).

Conditions:
Werner syndrome (WRN). Identifiers: Orphanet 902, MedGen C0043119, MONDO:0010196, OMIM 277700.

Submission:

Labcorp Genetics (formerly Invitae), Labcorp
Classification: Uncertain significance for Werner syndrome. Last evaluated: 2020-11-14. Review status: criteria provided, single submitter. Criteria: Invitae Variant Classification Sherloc (09022015). Collection method: clinical testing. Allele origin: germline.
Comment: This variant, c.4210_4215del, results in the deletion of 2 amino acid(s) of the WRN protein (p.Lys1404_Arg1405del), but otherwise preserves the integrity of the reading frame. This variant is not present in population databases (ExAC no frequency). This variant has not been reported in the literature in individuals with WRN-related conditions. Experimental studies and prediction algorithms are not available or were not evaluated, and the functional significance of this variant is currently unknown. In summary, the available evidence is currently insufficient to determine the role of this variant in disease. Therefore, it has been classified as a Variant of Uncertain Significance.